The following is an entry in ClinVar:

NM_000379.4(XDH):c.2698C>T (p.Arg900Trp)

Gene: XDH (xanthine dehydrogenase; minus strand). Cytogenetic location: 2p23.1.
Variant type: single nucleotide variant.
Coding change: c.2698C>T on transcript NM_000379.4 (MANE Select); coding-DNA position 2698, C replaced by T.
Protein change: p.Arg900Trp; replaces arginine 900 with tryptophan.
Molecular consequence: missense variant.
Genome position (GRCh38, 1-based): chr2:31,350,157, G>A on the plus strand (C>T on the coding strand, the complement: XDH is on the minus strand). VCF-style: chr2-31350157-G-A. GRCh37 (hg19) VCF-style: chr2-31573023-G-A.
Other names: short protein forms R900W.
Identifiers: ClinVar variation 2505658 (VCV002505658.2), dbSNP rs763704314, ClinGen allele CA1598705.
Genomic context (GRCh38, chr2:31,350,157, plus strand): 5'-CCTGGGGCCCCCCAAAGCCCCGGAAGGCCGTGTTGGAGGGAAGGTTGGTTTTGCACAGCC[G>A]CCCAGTGCCCCGGATGTTGGGGATTTTATAGCAGTTGTCCATGTGGAATAAAGCTCGTTC-3'
Protein context (NP_000370.2, residues 890-910): YKIPNIRGTG[Arg900Trp]LCKTNLPSNT

ClinVar aggregate classification (germline): Uncertain significance. Review status: criteria provided, multiple submitters, no conflicts (2 of 4 stars). 2 submissions from 2 submitters: Uncertain significance (2). Last evaluated 2025-04-08.

Conditions:
Inborn genetic diseases. Identifiers: MedGen C0950123, MeSH D030342.

Allele frequency attached by ClinVar (database versions not stated): TOPMed 0.00001; ExAC 0.00002; gnomAD 0.00003.
gnomAD v4.1: 27 of 1,614,178 alleles (0.0017%); highest among the groups gnomAD compares: Non-Finnish European, 0.0019%; no homozygotes.

Submissions (2):

Ambry Genetics
Classification: Uncertain significance for Inborn genetic diseases. Last evaluated: 2025-04-08. Review status: criteria provided, single submitter. Criteria: Ambry Variant Classification Scheme 2023. Collection method: clinical testing. Allele origin: germline.

GeneDx
Classification: Uncertain significance. Last evaluated: 2022-12-19. Review status: criteria provided, single submitter. Criteria: GeneDx Variant Classification Process June 2021. Collection method: clinical testing. Allele origin: germline. Affected: yes.
Comment: In silico analysis supports that this missense variant does not alter protein structure/function; Has not been previously published as pathogenic or benign to our knowledge